The following is an entry in ClinVar:

ClinVar aggregate classification (germline): Uncertain significance (1 of 4 stars; one submission).

Conditions:
Early-infantile DEE. Also called: Early infantile epileptic encephalopathy; Ohtahara syndrome; Early infantile epileptic encephalopathy with suppression bursts. Identifiers: Orphanet 1934, MedGen C0393706, MONDO:0800491.

Allele frequency attached by ClinVar (database versions not stated): gnomAD exomes below 0.00001; ExAC 0.00001; gnomAD 0.00001; TOPMed 0.00001.
gnomAD v4.1: 2 of 1,614,054 alleles (0.00012%); highest among the groups gnomAD compares: African/African-American, 0.0027%; no homozygotes.

Submission:

Labcorp Genetics (formerly Invitae), Labcorp
Classification: Uncertain significance for Early-infantile DEE. Last evaluated: 2021-05-20. Review status: criteria provided, single submitter. Criteria: Invitae Variant Classification Sherloc (09022015). Collection method: clinical testing. Allele origin: germline.
Comment: This sequence change replaces glutamine with arginine at codon 238 of the SPTAN1 protein (p.Gln238Arg). The glutamine residue is highly conserved and there is a small physicochemical difference between glutamine and arginine. This variant is present in population databases (rs758342554, ExAC 0.01%). This variant has not been reported in the literature in individuals with SPTAN1-related conditions. Algorithms developed to predict the effect of missense changes on protein structure and function (SIFT, PolyPhen-2, Align-GVGD) all suggest that this variant is likely to be tolerated, but these predictions have not been confirmed by published functional studies and their clinical significance is uncertain. In summary, the available evidence is currently insufficient to determine the role of this variant in disease. Therefore, it has been classified as a Variant of Uncertain Significance.

NM_001130438.3(SPTAN1):c.713A>G (p.Gln238Arg)

Gene: SPTAN1 (spectrin alpha, non-erythrocytic 1; plus strand). Cytogenetic location: 9q34.11.
Variant type: single nucleotide variant.
Coding change: c.713A>G on transcript NM_001130438.3 (MANE Select); coding-DNA position 713, A replaced by G.
Protein change: p.Gln238Arg; replaces glutamine 238 with arginine.
Molecular consequence: missense variant.
Genome position (GRCh38, 1-based): chr9:128,576,884, A>G. VCF-style: chr9-128576884-A-G. GRCh37 (hg19) VCF-style: chr9-131339163-A-G.
Other names: c.713A>G, p.Gln238Arg (NM_001195532.2, NM_001363759.2, NM_001363765.2 and 5 more transcripts); c.749A>G, p.Gln250Arg (NM_001375312.2, NM_001375318.1); short protein forms Q238R, Q250R.
Identifiers: ClinVar variation 1403617 (VCV001403617.9), dbSNP rs758342554, ClinGen allele CA5264234.